The following is an entry in ClinVar:

NM_001458.5(FLNC):c.3456_3457del (p.Val1152_Phe1153insTer)

Gene: FLNC (filamin C; plus strand). Cytogenetic location: 7q32.1.
Variant type: Microsatellite.
Coding change: c.3456_3457del on transcript NM_001458.5 (MANE Select); coding-DNA positions 3456 to 3457, 2 bases deleted (GT; older notation c.3456_3457delGT).
Protein change: p.Val1152_Phe1153insTer.
Molecular consequence: frameshift variant.
Genome position (GRCh38, 1-based): chr7:128,844,921-128,844,922, GT deleted; deleting any 2 consecutive bases within chr7:128,844,918-128,844,922 gives the same sequence; the c. name uses the placement nearest the transcript's 3' end. VCF-style (leftmost placement, unchanged base first): chr7-128844917-CTG-C. GRCh37 (hg19) VCF-style: chr7-128484971-CTG-C.
Other names: c.3456_3457del, p.Val1152_Phe1153insTer (NM_001127487.2).
Identifiers: ClinVar variation 1705399 (VCV001705399.1), dbSNP rs2536637714, ClinGen allele CA2580614263.

ClinVar aggregate classification (germline): Likely pathogenic (1 of 4 stars; one submission).

Conditions:
Hypertrophic cardiomyopathy 26. Also called: Cardiomyopathy, familial hypertrophic, 26. Identifiers: Orphanet 75249, MedGen C4310749, MONDO:0014883, OMIM 617047.

Submission:

3billion
Classification: Likely pathogenic for Hypertrophic cardiomyopathy 26. Last evaluated: 2022-09-01. Review status: criteria provided, single submitter. Criteria: ACMG Guidelines, 2015. Collection method: clinical testing. Allele origin: germline. Affected: yes. Observed: 1 heterozygote.
Comment: The variant is not observed in the gnomAD v2.1.1 dataset. Frameshift variant is predicted to result in a loss or disruption of normal protein function through nonsense-mediated decay (NMD) or protein truncation. Multiple pathogenic variants are reported downstream of the variant. Therefore, this variant is classified as Likely pathogenic according to the recommendation of ACMG/AMP guideline.